The following is an entry in ClinVar:

ClinVar aggregate classification (germline): Uncertain significance (1 of 4 stars; one submission).

Submission:

Women's Health and Genetics/Laboratory Corporation of America, LabCorp
Classification: Uncertain significance. Last evaluated: 2026-06-02. Review status: criteria provided, single submitter. Criteria: LabCorp Variant Classification Summary - May 2015. Collection method: clinical testing. Allele origin: germline.
Comment: Variant summary: F9 c.1277C>G (p.Thr426Ser) results in a conservative amino acid change in the encoded protein sequence. Algorithms developed to predict the effect of missense changes on protein structure and function are either unavailable or do not agree on the potential impact of this missense change. The variant was absent in 183131 control chromosomes. The available data on variant occurrences in the general population are insufficient to allow any conclusion about variant significance. c.1277C>G has been observed in individual(s) affected with F9-related conditions (Bach_2025, Chan_1991, Huang_2020). These data do not allow any conclusion about variant significance. To our knowledge, no experimental evidence demonstrating an impact on protein function has been reported. The following publications have been ascertained in the context of this evaluation (PMID: 40191713, 1680373, 32875744). No submitters have cited clinical-significance assessments for this variant to ClinVar. Based on the evidence outlined above, the variant was classified as uncertain significance.

Literature cited by the submitters: PubMed 40191713; PubMed 1680373; PubMed 32875744.

NM_000133.4(F9):c.1277C>G (p.Thr426Ser)

Gene: F9 (coagulation factor IX; plus strand). Cytogenetic location: Xq27.1.
Variant type: single nucleotide variant.
Coding change: c.1277C>G on transcript NM_000133.4 (MANE Select); coding-DNA position 1277, C replaced by G.
Protein change: p.Thr426Ser; replaces threonine 426 with serine.
Molecular consequence: missense variant.
Genome position (GRCh38, 1-based): chrX:139,561,962, C>G. VCF-style: chrX-139561962-C-G. GRCh37 (hg19) VCF-style: chrX-138644121-C-G.
Other names: c.1163C>G, p.Thr388Ser (NM_001313913.2); short protein forms T388S, T426S.
Identifiers: ClinVar variation 4887581 (VCV004887581.1).